The following is an entry in ClinVar:

NM_000318.3(PEX2):c.*2554G>A

Gene: PEX2 (peroxisomal biogenesis factor 2; minus strand). Cytogenetic location: 8q21.13.
Variant type: single nucleotide variant.
Coding change: c.*2554G>A on transcript NM_000318.3 (MANE Select); 2554 bases downstream of the stop codon, G replaced by A.
Molecular consequence: 3 prime UTR variant.
Genome position (GRCh38, 1-based): chr8:76,980,707, C>T on the plus strand (G>A on the coding strand, the complement: PEX2 is on the minus strand). VCF-style: chr8-76980707-C-T. GRCh37 (hg19) VCF-style: chr8-77892943-C-T.
Other names: c.*2554G>A (NM_001079867.2, NM_001172086.2, NM_001172087.2).
Identifiers: ClinVar variation 910188 (VCV000910188.4), dbSNP rs116215385, ClinGen allele CA179987960.

ClinVar aggregate classification (germline): Benign (1 of 4 stars; one submission).

Conditions:
Peroxisome biogenesis disorder 5A (Zellweger) (PBD5A). Identifiers: Orphanet 912, MedGen C3553940, MONDO:0013932, OMIM 614866.

Allele frequency attached by ClinVar (database versions not stated): 1000 Genomes Project 0.00759; 1000 Genomes Project 30x 0.00859; gnomAD 0.00935 and 0.01018; TOPMed 0.01013.

Submission:

Illumina Laboratory Services, Illumina
Classification: Benign for Peroxisome biogenesis disorder 5A (Zellweger). Last evaluated: 2018-01-13. Review status: criteria provided, single submitter. Criteria: ICSL Variant Classification Criteria 13 December 2019. Collection method: clinical testing. Allele origin: germline.
Comment: This variant was observed in the ICSL laboratory as part of a predisposition screen in an ostensibly healthy population. It had not been previously curated by ICSL or reported in the Human Gene Mutation Database (HGMD: prior to June 1st, 2018), and was therefore a candidate for classification through an automated scoring system. Utilizing variant allele frequency, disease prevalence and penetrance estimates, and inheritance mode, an automated score was calculated to assess if this variant is too frequent to cause the disease. Based on the score and internal cut-off values, a variant classified as benign is not then subjected to further curation. The score for this variant resulted in a classification of benign for this disease.